The following is an entry in ClinVar:

ClinVar aggregate classification (germline): Conflicting classifications of pathogenicity. Review status: criteria provided, conflicting classifications (1 of 4 stars). 2 submissions from 2 submitters: Uncertain significance (1); Likely benign (1). Last evaluated 2025-06-12.

Conditions:
Inborn genetic diseases. Identifiers: MedGen C0950123, MeSH D030342.

Submissions (2):

Ambry Genetics
Classification: Likely benign for Inborn genetic diseases. Last evaluated: 2025-06-12. Review status: criteria provided, single submitter. Criteria: Ambry Variant Classification Scheme 2023. Collection method: clinical testing. Allele origin: germline.

Labcorp Genetics (formerly Invitae), Labcorp
Classification: Uncertain significance. Last evaluated: 2024-07-15. Review status: criteria provided, single submitter. Criteria: Invitae Variant Classification Sherloc (09022015). Collection method: clinical testing. Allele origin: germline.
Comment: This sequence change replaces cysteine, which is neutral and slightly polar, with tyrosine, which is neutral and polar, at codon 363 of the LRRK1 protein (p.Cys363Tyr). This variant is not present in population databases (gnomAD no frequency). This variant has not been reported in the literature in individuals affected with LRRK1-related conditions. An algorithm developed to predict the effect of missense changes on protein structure and function outputs the following: PolyPhen-2: "Benign". The tyrosine amino acid residue is found in multiple mammalian species, which suggests that this missense change does not adversely affect protein function. In summary, the available evidence is currently insufficient to determine the role of this variant in disease. Therefore, it has been classified as a Variant of Uncertain Significance.

NM_024652.6(LRRK1):c.1088G>A (p.Cys363Tyr)

Gene: LRRK1 (leucine rich repeat kinase 1; plus strand). Cytogenetic location: 15q26.3.
Variant type: single nucleotide variant.
Coding change: c.1088G>A on transcript NM_024652.6 (MANE Select); coding-DNA position 1088, G replaced by A.
Protein change: p.Cys363Tyr; replaces cysteine 363 with tyrosine.
Molecular consequence: missense variant.
Genome position (GRCh38, 1-based): chr15:101,010,548, G>A. VCF-style: chr15-101010548-G-A. GRCh37 (hg19) VCF-style: chr15-101550753-G-A.
Other names: c.1088G>A (NM_024652.3); short protein forms C363Y.
Identifiers: ClinVar variation 3631407 (VCV003631407.3).
Genomic context (GRCh38, chr15:101,010,548, plus strand): 5'-ACCTCCCTCCTGGATTCTTGCACCTCTCAAAACTTCAAAAACTGACAGCTTCAAAAAATT[G>A]TTTAGAAAAATTGTTCGAAGAAGAAAATGGTATGTTTTCTCATCAACTTGAGTGAATTAG-3'
Protein context (NP_078928.3, residues 353-373): KLQKLTASKN[Cys363Tyr]LEKLFEEENA